The following is an entry in ClinVar:

NM_000548.5(TSC2):c.535G>T (p.Val179Leu)

Gene: TSC2 (TSC complex subunit 2; plus strand). Cytogenetic location: 16p13.3.
Variant type: single nucleotide variant.
Coding change: c.535G>T on transcript NM_000548.5 (MANE Select); coding-DNA position 535, G replaced by T.
Protein change: p.Val179Leu; replaces valine 179 with leucine.
Molecular consequence: missense variant. On other transcripts: intron variant (1).
Genome position (GRCh38, 1-based): chr16:2,055,455, G>T. VCF-style: chr16-2055455-G-T. GRCh37 (hg19) VCF-style: chr16-2105456-G-T.
Other names: c.535G>T, p.Val179Leu (NM_001077183.3, NM_001114382.3, NM_001363528.2 and 8 more transcripts); c.424G>T, p.Val142Leu (NM_001318827.2, NM_001406670.1, NM_001406678.1); c.388G>T, p.Val130Leu (NM_001318829.2, NM_001406675.1, NM_001406676.1 and 1 more transcripts); c.568G>T, p.Val190Leu (NM_001318832.2); c.625G>T, p.Val209Leu (NM_001406667.1, NM_001406668.1); c.478G>T, p.Val160Leu (NM_001406677.1); c.-282G>T (NM_001406680.1, NM_001406683.1, NM_001406687.1); c.73G>T, p.Val25Leu (NM_001406681.1); and 6 more; short protein forms V130L, V142L, V160L, V179L, V190L, V209L, V25L.
Identifiers: ClinVar variation 1878906 (VCV001878906.2), dbSNP rs777105764, ClinGen allele CA394309401.

ClinVar aggregate classification (germline): Uncertain significance. Review status: criteria provided, multiple submitters, no conflicts (2 of 4 stars). 2 submissions from 2 submitters: Uncertain significance (2). Last evaluated 2026-07-07.

Conditions:
Hereditary cancer-predisposing syndrome. Also called: Hereditary Cancer Syndrome; Hereditary neoplastic syndrome; Neoplastic Syndromes, Hereditary; Tumor predisposition. Identifiers: Orphanet 140162, MedGen C0027672, MeSH D009386, MONDO:0015356.

Submissions (2):

Ambry Genetics
Classification: Uncertain significance for Hereditary cancer-predisposing syndrome. Last evaluated: 2026-07-07. Review status: criteria provided, single submitter. Criteria: Ambry Variant Classification Scheme 2023. Collection method: clinical testing. Allele origin: germline.
Comment: The p.V179L variant (also known as c.535G>T), located in coding exon 5 of the TSC2 gene, results from a G to T substitution at nucleotide position 535. The valine at codon 179 is replaced by leucine, an amino acid with highly similar properties. This amino acid position is conserved. In addition, the in silico prediction for this alteration is inconclusive. Based on the available evidence, the clinical significance of this variant remains unclear.

GeneDx
Classification: Uncertain significance. Last evaluated: 2022-07-11. Review status: criteria provided, single submitter. Criteria: GeneDx Variant Classification Process June 2021. Collection method: clinical testing. Allele origin: germline. Affected: yes.
Comment: Not observed at significant frequency in large population cohorts (gnomAD); In silico analysis supports that this missense variant does not alter protein structure/function; Has not been previously published as pathogenic or benign to our knowledge